The following is an entry in ClinVar:

ClinVar aggregate classification (germline): Uncertain significance (1 of 4 stars; one submission).

Allele frequency attached by ClinVar (database versions not stated): gnomAD 0.00001.

Submission:

Labcorp Genetics (formerly Invitae), Labcorp
Classification: Uncertain significance. Last evaluated: 2024-10-25. Review status: criteria provided, single submitter. Criteria: Invitae Variant Classification Sherloc (09022015). Collection method: clinical testing. Allele origin: germline.
Comment: This sequence change replaces valine, which is neutral and non-polar, with methionine, which is neutral and non-polar, at codon 873 of the CELSR2 protein (p.Val873Met). This variant is not present in population databases (gnomAD no frequency). This variant has not been reported in the literature in individuals affected with CELSR2-related conditions. ClinVar contains an entry for this variant (Variation ID: 1494235). Invitae Evidence Modeling of protein sequence and biophysical properties (such as structural, functional, and spatial information, amino acid conservation, physicochemical variation, residue mobility, and thermodynamic stability) indicates that this missense variant is expected to disrupt CELSR2 protein function with a positive predictive value of 80%. In summary, the available evidence is currently insufficient to determine the role of this variant in disease. Therefore, it has been classified as a Variant of Uncertain Significance.

NM_001408.3(CELSR2):c.2617G>A (p.Val873Met)

Gene: CELSR2 (cadherin EGF LAG seven-pass G-type receptor 2; plus strand). Cytogenetic location: 1p13.3.
Variant type: single nucleotide variant.
Coding change: c.2617G>A on transcript NM_001408.3 (MANE Select); coding-DNA position 2617, G replaced by A.
Protein change: p.Val873Met; replaces valine 873 with methionine.
Molecular consequence: missense variant.
Genome position (GRCh38, 1-based): chr1:109,252,696, G>A. VCF-style: chr1-109252696-G-A. GRCh37 (hg19) VCF-style: chr1-109795318-G-A.
Other names: short protein forms V873M.
Identifiers: ClinVar variation 1494235 (VCV001494235.8), dbSNP rs1570775615, ClinGen allele CA341489714.